The following is an entry in ClinVar:

ClinVar aggregate classification (germline): Likely benign (1 of 4 stars; one submission).

gnomAD v4.1: 3,081 of 1,608,158 alleles (0.19%); highest among the groups gnomAD compares: Admixed American, 0.33%; 5 homozygotes.

Submission:

CeGaT Center for Human Genetics Tuebingen
Classification: Likely benign. Last evaluated: 2026-08-01. Review status: criteria provided, single submitter. Criteria: CeGaT Center For Human Genetics Tuebingen Variant Classification Criteria Version 2. Collection method: clinical testing. Allele origin: germline. Affected: yes. Observed: 5 variant alleles.
Comment: CAMK2D: BP4, BS1

NM_001321571.2(CAMK2D):c.1065C>A (p.Ile355=)

Gene: CAMK2D (calcium/calmodulin dependent protein kinase II delta; minus strand). Cytogenetic location: 4q26.
Variant type: single nucleotide variant.
Coding change: c.1065C>A on transcript NM_001321571.2 (MANE Select); coding-DNA position 1065, C replaced by A.
Protein change: p.Ile355=; no amino-acid change (isoleucine 355 retained).
Molecular consequence: synonymous variant. On other transcripts: intron variant (20).
Genome position (GRCh38, 1-based): chr4:113,502,957, G>T on the plus strand (C>A on the coding strand, the complement: CAMK2D is on the minus strand). VCF-style: chr4-113502957-G-T. GRCh37 (hg19) VCF-style: chr4-114424113-G-T.
Other names: c.1005C>A, p.Ile335= (NM_001321566.2, NM_001321575.2, NM_001321583.2 and 4 more transcripts); c.1065C>A, p.Ile355= (NM_001321567.2, NM_001321569.2, NM_001321570.2 and 2 more transcripts); c.1038C>A, p.Ile346= (NM_001321568.2, NM_001321573.2, NM_001321587.2 and 1 more transcripts); c.1002C>A, p.Ile334= (NM_001321577.2, NM_001321584.2, NM_001321588.2); c.417C>A, p.Ile139= (NM_001321578.2, NM_001321585.2); c.888C>A, p.Ile296= (NM_001321581.2); c.1062C>A, p.Ile354= (NM_001321586.2, NM_001399855.1, NM_001399856.1); c.678C>A, p.Ile226= (NM_001399863.1); and 9 more.
Identifiers: ClinVar variation 4083715 (VCV004083715.8).